The following is an entry in ClinVar:

ClinVar aggregate classification (germline): Uncertain significance (1 of 4 stars; one submission).

Allele frequency attached by ClinVar (database versions not stated): gnomAD exomes below 0.00001.
gnomAD v4.1: 4 of 1,614,150 alleles (0.00025%); highest among the groups gnomAD compares: South Asian, 0.0044%; no homozygotes.

Submission:

Labcorp Genetics (formerly Invitae), Labcorp
Classification: Uncertain significance. Last evaluated: 2022-08-03. Review status: criteria provided, single submitter. Criteria: Invitae Variant Classification Sherloc (09022015). Collection method: clinical testing. Allele origin: germline.
Comment: In summary, the available evidence is currently insufficient to determine the role of this variant in disease. Therefore, it has been classified as a Variant of Uncertain Significance. Algorithms developed to predict the effect of missense changes on protein structure and function are either unavailable or do not agree on the potential impact of this missense change (SIFT: "Tolerated"; PolyPhen-2: "Probably Damaging"; Align-GVGD: "Class C0"). This variant has not been reported in the literature in individuals affected with CTNNB1-related conditions. This variant is not present in population databases (gnomAD no frequency). This sequence change replaces isoleucine, which is neutral and non-polar, with threonine, which is neutral and polar, at codon 590 of the CTNNB1 protein (p.Ile590Thr).

NM_001904.4(CTNNB1):c.1769T>C (p.Ile590Thr)

Gene: CTNNB1 (catenin beta 1; plus strand). Cytogenetic location: 3p22.1.
Variant type: single nucleotide variant.
Coding change: c.1769T>C on transcript NM_001904.4 (MANE Select); coding-DNA position 1769, T replaced by C.
Protein change: p.Ile590Thr; replaces isoleucine 590 with threonine.
Molecular consequence: missense variant.
Genome position (GRCh38, 1-based): chr3:41,235,809, T>C. VCF-style: chr3-41235809-T-C. GRCh37 (hg19) VCF-style: chr3-41277300-T-C.
Other names: c.1769T>C, p.Ile590Thr (NM_001098209.2, NM_001098210.2); c.1748T>C, p.Ile583Thr (NM_001330729.2); short protein forms I583T, I590T.
Identifiers: ClinVar variation 2101063 (VCV002101063.4), dbSNP rs2125644958, ClinGen allele CA352235758.
Genomic context (GRCh38, chr3:41,235,809, plus strand): 5'-TTGAAGGTTGTACCGGAGCCCTTCACATCCTAGCTCGGGATGTTCACAACCGAATTGTTA[T>C]CAGAGGACTAAATACCATTCCATTGTTTGTGCAGGTATGTTTTAAGTGAAGTGTTCTAGG-3'
Protein context (NP_001895.1, residues 580-600): LARDVHNRIV[Ile590Thr]RGLNTIPLFV